The following is an entry in ClinVar:

NM_152703.5(SAMD9L):c.2254A>G (p.Met752Val)

Gene: SAMD9L (sterile alpha motif domain containing 9 like; minus strand). Cytogenetic location: 7q21.2.
Variant type: single nucleotide variant.
Coding change: c.2254A>G on transcript NM_152703.5 (MANE Select); coding-DNA position 2254, A replaced by G.
Protein change: p.Met752Val; replaces methionine 752 with valine.
Molecular consequence: missense variant.
Genome position (GRCh38, 1-based): chr7:93,133,718, T>C on the plus strand (A>G on the coding strand, the complement: SAMD9L is on the minus strand). VCF-style: chr7-93133718-T-C. GRCh37 (hg19) VCF-style: chr7-92763031-T-C.
Other names: c.2254A>G, p.Met752Val (NM_001303496.3, NM_001303497.3, NM_001303498.3 and 5 more transcripts); short protein forms M752V.
Identifiers: ClinVar variation 4863994 (VCV004863994.1).

ClinVar aggregate classification (germline): Uncertain significance (1 of 4 stars; one submission).

Conditions:
Inborn genetic diseases. Identifiers: MedGen C0950123, MeSH D030342.

Submission:

Ambry Genetics
Classification: Uncertain significance for Inborn genetic diseases. Last evaluated: 2026-05-14. Review status: criteria provided, single submitter. Criteria: Ambry Variant Classification Scheme 2023. Collection method: clinical testing. Allele origin: germline.
Comment: The p.M752V variant (also known as c.2254A>G), located in coding exon 1 of the SAMD9L gene, results from an A to G substitution at nucleotide position 2254. The methionine at codon 752 is replaced by valine, an amino acid with highly similar properties. This amino acid position is conserved. In addition, the in silico prediction for this alteration is inconclusive. Based on the available evidence, the clinical significance of this variant remains unclear.